The following is an entry in ClinVar:

NM_014008.5(CCDC22):c.873C>T (p.Ser291=)

Gene: CCDC22 (CCC complex scaffolding subunit CCDC22; plus strand). Cytogenetic location: Xp11.23.
Variant type: single nucleotide variant.
Coding change: c.873C>T on transcript NM_014008.5 (MANE Select); coding-DNA position 873, C replaced by T.
Protein change: p.Ser291=; no amino-acid change (serine 291 retained).
Molecular consequence: synonymous variant.
Genome position (GRCh38, 1-based): chrX:49,246,889, C>T. VCF-style: chrX-49246889-C-T. GRCh37 (hg19) VCF-style: chrX-49103350-C-T.
Identifiers: ClinVar variation 3026962 (VCV003026962.22), dbSNP rs782777319, ClinGen allele CA10411336.

ClinVar aggregate classification (germline): Likely benign (1 of 4 stars; one submission).

Allele frequency attached by ClinVar (database versions not stated): gnomAD exomes below 0.00001; TOPMed 0.00001.
gnomAD v4.1: 1 of 1,198,722 alleles (0.000083%); highest among the groups gnomAD compares: Admixed American, 0.0022%; no homozygotes.

Submission:

CeGaT Center for Human Genetics Tuebingen
Classification: Likely benign. Last evaluated: 2023-12-01. Review status: criteria provided, single submitter. Criteria: CeGaT Center For Human Genetics Tuebingen Variant Classification Criteria Version 2. Collection method: clinical testing. Allele origin: germline. Affected: yes. Observed: 1 variant allele.
Comment: CCDC22: BP4